The following is an entry in ClinVar:

NM_000254.3(MTR):c.3636T>C (p.Ala1212=)

Gene: MTR (5-methyltetrahydrofolate-homocysteine methyltransferase; plus strand). Cytogenetic location: 1q43.
Variant type: single nucleotide variant.
Coding change: c.3636T>C on transcript NM_000254.3 (MANE Select); coding-DNA position 3636, T replaced by C.
Protein change: p.Ala1212=; no amino-acid change (alanine 1212 retained).
Molecular consequence: synonymous variant.
Genome position (GRCh38, 1-based): chr1:236,897,043, T>C. VCF-style: chr1-236897043-T-C. GRCh37 (hg19) VCF-style: chr1-237060343-T-C.
Other names: c.3483T>C, p.Ala1161= (NM_001291939.1); c.2415T>C, p.Ala805= (NM_001291940.2).
Identifiers: ClinVar variation 386439 (VCV000386439.9), dbSNP rs767100856, ClinGen allele CA1474761.

ClinVar aggregate classification (germline): Likely benign. Review status: criteria provided, multiple submitters, no conflicts (2 of 4 stars). 2 submissions from 2 submitters: Likely benign (2). Last evaluated 2024-02-16.

Conditions:
Methylcobalamin deficiency type cblG (HMAG). Also called: HOMOCYSTINURIA-MEGALOBLASTIC ANEMIA, cblG COMPLEMENTATION TYPE; HOMOCYSTINURIA-MEGALOBLASTIC ANEMIA, cblG TYPE; HOMOCYSTINURIA-MEGALOBLASTIC ANEMIA DUE TO DEFECT IN COBALAMIN METABOLISM, cblG COMPLEMENTATION TYPE; Functional methionine synthase deficiency type cblG. Identifiers: Orphanet 2170, Orphanet 622, MedGen C1855128, MONDO:0009609, OMIM 250940.

Allele frequency attached by ClinVar (database versions not stated): gnomAD exomes below 0.00001 and 0.00001; ExAC 0.00001; TOPMed 0.00002; gnomAD 0.00003.
gnomAD v4.1: 22 of 1,614,074 alleles (0.0014%); highest among the groups gnomAD compares: African/African-American, 0.0027%; no homozygotes.

Submissions (2):

Labcorp Genetics (formerly Invitae), Labcorp
Classification: Likely benign for Methylcobalamin deficiency type cblG. Last evaluated: 2024-02-16. Review status: criteria provided, single submitter. Criteria: Invitae Variant Classification Sherloc (09022015). Collection method: clinical testing. Allele origin: germline.

GeneDx
Classification: Likely benign. Last evaluated: 2016-05-25. Review status: criteria provided, single submitter. Criteria: GeneDx Variant Classification (06012015). Collection method: clinical testing. Allele origin: germline. Affected: yes.
Comment: This variant is considered likely benign or benign based on one or more of the following criteria: it is a conservative change, it occurs at a poorly conserved position in the protein, it is predicted to be benign by multiple in silico algorithms, and/or has population frequency not consistent with disease.